The following is an entry in ClinVar:

NM_015030.2(FRYL):c.3635T>A (p.Ile1212Lys)

Gene: FRYL (FRY like transcription coactivator; minus strand). Cytogenetic location: 4p11.
Variant type: single nucleotide variant.
Coding change: c.3635T>A on transcript NM_015030.2 (MANE Select); coding-DNA position 3635, T replaced by A.
Protein change: p.Ile1212Lys; replaces isoleucine 1212 with lysine.
Molecular consequence: missense variant.
Genome position (GRCh38, 1-based): chr4:48,562,950, A>T on the plus strand (T>A on the coding strand, the complement: FRYL is on the minus strand). VCF-style: chr4-48562950-A-T. GRCh37 (hg19) VCF-style: chr4-48564967-A-T.
Other names: short protein forms I1212K.
Identifiers: ClinVar variation 4975795 (VCV004975795.1).
Genomic context (GRCh38, chr4:48,562,950, plus strand): 5'-TGTAAAAGTTGCATAGCAACTTCATAGATACTTCTAGAAGAATCAGCTGCTTTAAACAGT[A>T]TCAGATTTAGAAGCATCACTGTGTCACATTGATAATCCCTAGGAATAAATTTTACATATT-3'
Protein context (NP_055845.1, residues 1202-1222): QCDTVMLLNL[Ile1212Lys]LFKAADSSRS

ClinVar aggregate classification (germline): Uncertain significance (1 of 4 stars; one submission).

Submission:

GeneDx
Classification: Uncertain significance. Last evaluated: 2026-01-27. Review status: criteria provided, single submitter. Criteria: GeneDx Variant Classification Process June 2021. Collection method: clinical testing. Allele origin: germline.
Comment: Not observed at significant frequency in large population cohorts (gnomAD); In silico analysis supports that this missense variant has a deleterious effect on protein structure/function; Has not been previously published as pathogenic or benign to our knowledge